The following is an entry in ClinVar:

NM_017534.6(MYH2):c.3045C>A (p.Asp1015Glu)

Genes: MYHAS (myosin heavy chain gene cluster antisense RNA; plus strand), MYH2 (myosin heavy chain 2; minus strand). Cytogenetic location: 17p13.1.
Variant type: single nucleotide variant.
Coding change: c.3045C>A on transcript NM_017534.6 (MANE Select); coding-DNA position 3045, C replaced by A.
Protein change: p.Asp1015Glu; replaces aspartic acid 1015 with glutamic acid.
Molecular consequence: missense variant.
Genome position (GRCh38, 1-based): chr17:10,529,636, G>T on the plus strand (C>A on the coding strand, the complement: MYH2 is on the minus strand). VCF-style: chr17-10529636-G-T. GRCh37 (hg19) VCF-style: chr17-10432953-G-T.
Other names: c.3045C>A, p.Asp1015Glu (NM_001100112.2); short protein forms D1015E.
Identifiers: ClinVar variation 2234104 (VCV002234104.3), dbSNP rs1395510063, ClinGen allele CA398140161.
Genomic context (GRCh38, chr17:10,529,636, plus strand): 5'-TTGTTCAAGTTTGATTTTAGCTTTGGTCAGGGTGTTGACTTTGTCCTCCTCTGCCTGCAG[G>T]TCATCCAGGGTCTGCTGGTGGGCCTCCTGGAGAGCCTTCTTCTCCTTGGTCAGCTTAGCA-3'
Protein context (NP_060004.3, residues 1005-1025): LQEAHQQTLD[Asp1015Glu]LQAEEDKVNT

ClinVar aggregate classification (germline): Uncertain significance. Review status: criteria provided, multiple submitters, no conflicts (2 of 4 stars). 2 submissions from 2 submitters: Uncertain significance (2). Last evaluated 2025-08-05.

Conditions:
Inborn genetic diseases. Identifiers: MedGen C0950123, MeSH D030342.
Myopathy, proximal, and ophthalmoplegia (CMYO6). Also called: INCLUSION BODY MYOPATHY 3, AUTOSOMAL DOMINANT; CONGENITAL MYOPATHY 6 WITH OPHTHALMOPLEGIA; MYOPATHY WITH CONGENITAL JOINT CONTRACTURES, OPHTHALMOPLEGIA, AND RIMMED VACUOLES. Identifiers: Orphanet 363677, Orphanet 79091, MedGen C1854106, MONDO:0011577, OMIM 605637.

Allele frequency attached by ClinVar (database versions not stated): gnomAD exomes below 0.00001; gnomAD 0.00001; TOPMed 0.00001.
gnomAD v4.1: 5 of 1,613,930 alleles (0.00031%); highest among the groups gnomAD compares: East Asian, 0.0089%; no homozygotes.

Submissions (2):

Labcorp Genetics (formerly Invitae), Labcorp
Classification: Uncertain significance for Myopathy, proximal, and ophthalmoplegia. Last evaluated: 2025-08-05. Review status: criteria provided, single submitter. Criteria: Invitae Variant Classification Sherloc (09022015). Collection method: clinical testing. Allele origin: germline.
Comment: This sequence change replaces aspartic acid, which is acidic and polar, with glutamic acid, which is acidic and polar, at codon 1015 of the MYH2 protein (p.Asp1015Glu). This variant is present in population databases (no rsID available, gnomAD 0.006%). This variant has not been reported in the literature in individuals affected with MYH2-related conditions. ClinVar contains an entry for this variant (Variation ID: 2234104). Invitae Evidence Modeling of protein sequence and biophysical properties (such as structural, functional, and spatial information, amino acid conservation, physicochemical variation, residue mobility, and thermodynamic stability) indicates that this missense variant is not expected to disrupt MYH2 protein function with a negative predictive value of 80%. In summary, the available evidence is currently insufficient to determine the role of this variant in disease. Therefore, it has been classified as a Variant of Uncertain Significance.

Ambry Genetics
Classification: Uncertain significance for Inborn genetic diseases. Last evaluated: 2021-06-22. Review status: criteria provided, single submitter. Criteria: Ambry Variant Classification Scheme 2023. Collection method: clinical testing. Allele origin: germline.